The following is an entry in ClinVar:

NM_001184880.2(PCDH19):c.626C>A (p.Thr209Asn)

Gene: PCDH19 (protocadherin 19; minus strand). Cytogenetic location: Xq22.1.
Variant type: single nucleotide variant.
Coding change: c.626C>A on transcript NM_001184880.2 (MANE Select); coding-DNA position 626, C replaced by A.
Protein change: p.Thr209Asn; replaces threonine 209 with asparagine.
Molecular consequence: missense variant.
Genome position (GRCh38, 1-based): chrX:100,407,972, G>T on the plus strand (C>A on the coding strand, the complement: PCDH19 is on the minus strand). VCF-style: chrX-100407972-G-T. GRCh37 (hg19) VCF-style: chrX-99662970-G-T.
Other names: c.626C>A, p.Thr209Asn (NM_001105243.2, NM_020766.3); short protein forms T209N.
Identifiers: ClinVar variation 998165 (VCV000998165.3), dbSNP rs1928444379, ClinGen allele CA414008964.

ClinVar aggregate classification (germline): Uncertain significance (1 of 4 stars; one submission).

Conditions:
Developmental and epileptic encephalopathy, 9 (DEE9). Also called: PCDH19-Related X-Linked Female-Limited Epilepsy with Mental Retardation; Early infantile epileptic encephalopathy 9; JUBERG-HELLMAN SYNDROME; EPILEPSY, FEMALE-RESTRICTED, WITH MENTAL RETARDATION. Identifiers: Orphanet 101039, Orphanet 2076, MedGen C1848137, MONDO:0010246, OMIM 300088. Disease mechanism: loss of function.

Submission:

Breda Genetics srl
Classification: Uncertain significance for Developmental and epileptic encephalopathy, 9. Last evaluated: 2021-01-22. Review status: criteria provided, single submitter. Criteria: ACMG Guidelines, 2015. Collection method: clinical testing. Allele origin: germline. Inheritance: X-linked inheritance. Affected: yes. Observed: 1 variant allele, 1 heterozygote.
Comment: The variant c.626C>A (p.Thr209Asn) in the PCDH19 gene has not been reported in dbSNP, gnomAD or ClinVar. The nucleotide position is highly conserved across 35 mammalian species (GERP RS: 5.98). In silico analysis indicates that the variant might be damaging. Smith et al. (2019) reported another missense variant, c.625A>C p.Thr209Pro, falling on the same amino acid Thr209 in a patient with early onset generalized seizures and behavioral abnormalities, but without developmental issues (PMID: 29377098). Based on ACMG variant interpretation guidelines, we classify this variant as uncertain. However, on the basis of the aforementioned evidence, there is a given likelihood that the variant may actually be pathogenic, even if we cannot exclude that it is a rare benign variant.

Literature cited by the submitters: PubMed 29377098.